The following is an entry in ClinVar:

NM_005035.4(POLRMT):c.232G>A (p.Val78Met)

Gene: POLRMT (RNA polymerase mitochondrial; minus strand). Cytogenetic location: 19p13.3.
Variant type: single nucleotide variant.
Coding change: c.232G>A on transcript NM_005035.4 (MANE Select); coding-DNA position 232, G replaced by A.
Protein change: p.Val78Met; replaces valine 78 with methionine.
Molecular consequence: missense variant. On other transcripts: 5 prime UTR variant (5), non-coding transcript variant (1).
Genome position (GRCh38, 1-based): chr19:630,130, C>T on the plus strand (G>A on the coding strand, the complement: POLRMT is on the minus strand). VCF-style: chr19-630130-C-T. GRCh37 (hg19) VCF-style: chr19-630130-C-T.
Other names: c.232G>A (NM_005035.3); c.232G>A, p.Val78Met (NM_001407807.1, NM_001407808.1, NM_001407809.1 and 12 more transcripts); c.-93G>A (NM_001407831.1, NM_001407833.1, NM_001407834.1 and 2 more transcripts); short protein forms V78M.
Identifiers: ClinVar variation 2582453 (VCV002582453.26), dbSNP rs140649984, ClinGen allele CA9020801.

ClinVar aggregate classification (germline): Conflicting classifications of pathogenicity. Review status: criteria provided, conflicting classifications (1 of 4 stars). 3 submissions from 3 submitters: Uncertain significance (1); Likely benign (1). 1 of the submissions does not count toward it. Last evaluated 2026-07-01.

Conditions:
POLRMT-related disorder. Also called: POLRMT-related condition.
Combined oxidative phosphorylation deficiency 55 (COXPD55). Identifiers: MedGen C5676915, MONDO:0859228, OMIM 619743.

Allele frequency attached by ClinVar (database versions not stated): 1000 Genomes Project 0.00140; 1000 Genomes Project 30x 0.00141; ESP Exome Variant Server 0.00231.
gnomAD v4.1: 1,860 of 1,607,642 alleles (0.12%); highest among the groups gnomAD compares: African/African-American, 0.46%; 4 homozygotes.

Submissions (3):

CeGaT Center for Human Genetics Tuebingen
Classification: Likely benign. Last evaluated: 2026-07-01. Review status: criteria provided, single submitter. Criteria: CeGaT Center For Human Genetics Tuebingen Variant Classification Criteria Version 2. Collection method: clinical testing. Allele origin: germline. Affected: yes. Observed: 4 variant alleles.
Comment: POLRMT: BS2

Baylor Genetics
Classification: Uncertain significance for Combined oxidative phosphorylation deficiency 55. Last evaluated: 2023-03-23. Review status: criteria provided, single submitter. Criteria: ACMG Guidelines, 2015. Collection method: clinical testing. Allele origin: unknown.

PreventionGenetics, part of Exact Sciences
Classification: Likely benign for POLRMT-related condition. Last evaluated: 2022-09-30. Review status: no assertion criteria provided. Collection method: clinical testing. Allele origin: germline. Not counted in ClinVar's aggregate classification.
Comment: This variant is classified as likely benign based on ACMG/AMP sequence variant interpretation guidelines (Richards et al. 2015 PMID: 25741868, with internal and published modifications).